The following is an entry in ClinVar:

NM_000383.4(AIRE):c.695C>T (p.Thr232Ile)

Gene: AIRE (autoimmune regulator; plus strand). Cytogenetic location: 21q22.3.
Variant type: single nucleotide variant.
Coding change: c.695C>T on transcript NM_000383.4 (MANE Select); coding-DNA position 695, C replaced by T.
Protein change: p.Thr232Ile; replaces threonine 232 with isoleucine.
Molecular consequence: missense variant.
Genome position (GRCh38, 1-based): chr21:44,289,699, C>T. VCF-style: chr21-44289699-C-T. GRCh37 (hg19) VCF-style: chr21-45709582-C-T.
Other names: short protein forms T232I.
Identifiers: ClinVar variation 4069250 (VCV004069250.2).

ClinVar aggregate classification (germline): Uncertain significance. Review status: criteria provided, single submitter (1 of 4 stars). 2 submissions from 2 submitters: Uncertain significance (1). 1 of the submissions does not count toward it. Last evaluated 2025-05-18.

Conditions:
Polyglandular autoimmune syndrome, type 1 (APS1). Also called: Autoimmune polyendocrinopathy syndrome , type I, with or without reversible metaphyseal dysplasia; Autoimmune polyendocrinopathy syndrome, type I; Whitaker syndrome; AUTOIMMUNE POLYENDOCRINE SYNDROME, TYPE I, WITH OR WITHOUT REVERSIBLE METAPHYSEAL DYSPLASIA; APS I; HYPOADRENOCORTICISM WITH HYPOPARATHYROIDISM AND SUPERFICIAL MONILIASIS. Identifiers: Orphanet 3453, MedGen C0085859, MONDO:0009411, OMIM 240300.

Submissions (2):

Labcorp Genetics (formerly Invitae), Labcorp
Classification: Uncertain significance for Polyglandular autoimmune syndrome, type 1. Last evaluated: 2025-05-18. Review status: criteria provided, single submitter. Criteria: Invitae Variant Classification Sherloc (09022015). Collection method: clinical testing. Allele origin: germline.
Comment: This sequence change replaces threonine, which is neutral and polar, with isoleucine, which is neutral and non-polar, at codon 232 of the AIRE protein (p.Thr232Ile). This variant is present in population databases (rs778809453, gnomAD 0.0009%). This variant has not been reported in the literature in individuals affected with AIRE-related conditions. Invitae Evidence Modeling of protein sequence and biophysical properties (such as structural, functional, and spatial information, amino acid conservation, physicochemical variation, residue mobility, and thermodynamic stability) has been performed for this missense variant. However, the output from this modeling did not meet the statistical confidence thresholds required to predict the impact of this variant on AIRE protein function. In summary, the available evidence is currently insufficient to determine the role of this variant in disease. Therefore, it has been classified as a Variant of Uncertain Significance.

Natera, Inc.
Classification: Uncertain significance for Polyglandular autoimmune syndrome type 1. Last evaluated: 2025-04-12. Review status: no assertion criteria provided. Collection method: clinical testing. Allele origin: germline. Not counted in ClinVar's aggregate classification.